The following is an entry in ClinVar:

NM_022437.3(ABCG8):c.1211G>A (p.Arg404His)

Gene: ABCG8 (ATP binding cassette subfamily G member 8; plus strand). Cytogenetic location: 2p21.
Variant type: single nucleotide variant.
Coding change: c.1211G>A on transcript NM_022437.3 (MANE Select); coding-DNA position 1211, G replaced by A.
Protein change: p.Arg404His; replaces arginine 404 with histidine.
Molecular consequence: missense variant.
Genome position (GRCh38, 1-based): chr2:43,872,306, G>A. VCF-style: chr2-43872306-G-A. GRCh37 (hg19) VCF-style: chr2-44099445-G-A.
Other names: c.1208G>A, p.Arg403His (NM_001357321.2); short protein forms R403H, R404H.
Identifiers: ClinVar variation 3354792 (VCV003354792.1).

ClinVar aggregate classification (germline): Uncertain significance (0 of 4 stars; one submission).

Conditions:
ABCG8-related disorder. Also called: ABCG8-related condition.

gnomAD v4.1: 25 of 1,613,138 alleles (0.0015%); highest among the groups gnomAD compares: South Asian, 0.021%; no homozygotes.

Submission:

PreventionGenetics, part of Exact Sciences
Classification: Uncertain significance for ABCG8-related condition. Last evaluated: 2024-04-08. Review status: no assertion criteria provided. Collection method: clinical testing. Allele origin: germline.
Comment: The ABCG8 c.1211G>A variant is predicted to result in the amino acid substitution p.Arg404His. This variant affects the last nucleotide of exon 8 and is predicted to impact splicing by Splice AI. To our knowledge, this variant has not been reported in the literature. This variant is reported in 0.023% of alleles in individuals of South Asian descent in gnomAD. At this time, the clinical significance of this variant is uncertain due to the absence of conclusive functional and genetic evidence.